The following is an entry in ClinVar:

NM_144701.3(IL23R):c.1149G>A (p.Gly383=)

Gene: IL23R (interleukin 23 receptor; plus strand). Cytogenetic location: 1p31.3.
Variant type: single nucleotide variant.
Coding change: c.1149G>A on transcript NM_144701.3 (MANE Select); coding-DNA position 1149, G replaced by A.
Protein change: p.Gly383=; no amino-acid change (glycine 383 retained).
Molecular consequence: synonymous variant.
Genome position (GRCh38, 1-based): chr1:67,255,837, G>A. VCF-style: chr1-67255837-G-A. GRCh37 (hg19) VCF-style: chr1-67721520-G-A.
Identifiers: ClinVar variation 1924375 (VCV001924375.5), dbSNP rs748408283, ClinGen allele CA899960.
Genomic context (GRCh38, chr1:67,255,837, plus strand): 5'-GACTTCCTAATCTCCTATATGATTGCCTGCTTCTTCTAACGTGTCATTTTTGTTTTTTAG[G>A]ATTAAAAGAAGGATCTTATTGTTAATACCAAAGTGGCTTTATGAAGATATTCCTAATATG-3'
Protein context (NP_653302.2, residues 373-393): IGIFNRSFRT[Gly383=]IKRRILLLIP

ClinVar aggregate classification (germline): Uncertain significance (1 of 4 stars; one submission).

Allele frequency attached by ClinVar (database versions not stated): ExAC 0.00001; gnomAD 0.00002; TOPMed 0.00003.

Submission:

Labcorp Genetics (formerly Invitae), Labcorp
Classification: Uncertain significance. Last evaluated: 2024-03-04. Review status: criteria provided, single submitter. Criteria: Invitae Variant Classification Sherloc (09022015). Collection method: clinical testing. Allele origin: germline.
Comment: This sequence change affects codon 383 of the IL23R mRNA. It is a 'silent' change, meaning that it does not change the encoded amino acid sequence of the IL23R protein. It affects a nucleotide within the consensus splice site. This variant is present in population databases (rs748408283, gnomAD 0.008%). This variant has not been reported in the literature in individuals affected with IL23R-related conditions. ClinVar contains an entry for this variant (Variation ID: 1924375). Algorithms developed to predict the effect of sequence changes on RNA splicing suggest that this variant is not likely to affect RNA splicing. In summary, the available evidence is currently insufficient to determine the role of this variant in disease. Therefore, it has been classified as a Variant of Uncertain Significance.